The following is an entry in ClinVar:

ClinVar aggregate classification (germline): Uncertain significance. Review status: criteria provided, multiple submitters, no conflicts (2 of 4 stars). 2 submissions from 2 submitters: Uncertain significance (2). Last evaluated 2023-11-27.

Allele frequency attached by ClinVar (database versions not stated): gnomAD exomes 0.00001; TOPMed 0.00001; ExAC 0.00002; gnomAD 0.00002.
gnomAD v4.1: 38 of 1,610,692 alleles (0.0024%); highest among the groups gnomAD compares: Non-Finnish European, 0.0029%; no homozygotes.

Submissions (2):

Labcorp Genetics (formerly Invitae), Labcorp
Classification: Uncertain significance. Last evaluated: 2023-11-27. Review status: criteria provided, single submitter. Criteria: Invitae Variant Classification Sherloc (09022015). Collection method: clinical testing. Allele origin: germline.
Comment: This sequence change replaces arginine, which is basic and polar, with glutamine, which is neutral and polar, at codon 28 of the KARS protein (p.Arg28Gln). This variant is present in population databases (rs757020457, gnomAD 0.004%). This variant has not been reported in the literature in individuals affected with KARS-related conditions. ClinVar contains an entry for this variant (Variation ID: 1682461). Algorithms developed to predict the effect of missense changes on protein structure and function output the following: SIFT: "Not Available"; PolyPhen-2: "Benign"; Align-GVGD: "Not Available". The glutamine amino acid residue is found in multiple mammalian species, which suggests that this missense change does not adversely affect protein function. In summary, the available evidence is currently insufficient to determine the role of this variant in disease. Therefore, it has been classified as a Variant of Uncertain Significance.

Ambry Genetics
Classification: Uncertain significance. Last evaluated: 2023-02-01. Review status: criteria provided, single submitter. Criteria: Ambry Variant Classification Scheme 2023. Collection method: clinical testing. Allele origin: germline.

NM_005548.3(KARS1):c.63-2623G>A

Gene: KARS1 (lysyl-tRNA synthetase 1; minus strand). Cytogenetic location: 16q23.1.
Variant type: single nucleotide variant.
Coding change: c.63-2623G>A on transcript NM_005548.3 (MANE Select); 2623 bases into the intron before coding-DNA position 63, G replaced by A.
Molecular consequence: intron variant. On other transcripts: missense variant (1).
Genome position (GRCh38, 1-based): chr16:75,644,346, C>T on the plus strand (G>A on the coding strand, the complement: KARS1 is on the minus strand). VCF-style: chr16-75644346-C-T. GRCh37 (hg19) VCF-style: chr16-75678244-C-T.
Other names: c.83G>A (NM_001130089.1); c.83G>A, p.Arg28Gln (NM_001130089.2); c.-406-2623G>A (NM_001378148.1); short protein forms R28Q.
Identifiers: ClinVar variation 1682461 (VCV001682461.9), dbSNP rs757020457, ClinGen allele CA8177794.